The following is an entry in ClinVar:

ClinVar aggregate classification (germline): Conflicting classifications of pathogenicity. Review status: criteria provided, conflicting classifications (1 of 4 stars). 2 submissions from 2 submitters: Uncertain significance (1); Likely benign (1). Last evaluated 2023-03-23.

Conditions:
Hereditary cancer-predisposing syndrome. Also called: Tumor predisposition; Neoplastic Syndromes, Hereditary; Hereditary Cancer Syndrome; Hereditary neoplastic syndrome. Identifiers: Orphanet 140162, MedGen C0027672, MeSH D009386, MONDO:0015356.
Hereditary breast ovarian cancer syndrome. Also called: Hereditary breast and ovarian cancer syndrome (HBOC); Breast and ovarian cancer; BRCA1- and BRCA2-Associated Hereditary Breast and Ovarian Cancer; Hereditary breast and ovarian cancer; Hereditary breast and ovarian cancer syndrome; Hereditary breast and/or ovarian cancer syndrome. Identifiers: Orphanet 145, MedGen C0677776, MeSH D061325, MONDO:0003582. Disease mechanism: loss of function.

Submissions (2):

University of Washington Department of Laboratory Medicine, University of Washington
Classification: Likely benign for Hereditary cancer-predisposing syndrome. Last evaluated: 2023-03-23. Review status: criteria provided, single submitter. Criteria: Dines et al. (Genet Med. 2020). Collection method: curation. Allele origin: germline.
Comment: Missense variant in a coldspot region where missense variants are very unlikely to be pathogenic (PMID:31911673).

BRCA2 exon 11 coldspot. Reclassification based on statistical prior probability.

Labcorp Genetics (formerly Invitae), Labcorp
Classification: Uncertain significance for Hereditary breast ovarian cancer syndrome. Last evaluated: 2021-03-28. Review status: criteria provided, single submitter. Criteria: Invitae Variant Classification Sherloc (09022015). Collection method: clinical testing. Allele origin: germline.
Comment: In summary, the available evidence is currently insufficient to determine the role of this variant in disease. Therefore, it has been classified as a Variant of Uncertain Significance. Advanced modeling of protein sequence and biophysical properties (such as structural, functional, and spatial information, amino acid conservation, physicochemical variation, residue mobility, and thermodynamic stability) performed at Invitae indicates that this missense variant is not expected to disrupt BRCA2 protein function. This variant has not been reported in the literature in individuals with BRCA2-related conditions. This variant is not present in population databases (ExAC no frequency). This sequence change replaces proline with threonine at codon 1088 of the BRCA2 protein (p.Pro1088Thr). The proline residue is moderately conserved and there is a small physicochemical difference between proline and threonine.

NM_000059.4(BRCA2):c.3262C>A (p.Pro1088Thr)

Gene: BRCA2 (BRCA2 DNA repair associated; plus strand). Cytogenetic location: 13q13.1.
Variant type: single nucleotide variant.
Coding change: c.3262C>A on transcript NM_000059.4 (MANE Select); coding-DNA position 3262, C replaced by A.
Protein change: p.Pro1088Thr; replaces proline 1088 with threonine.
Molecular consequence: missense variant.
Genome position (GRCh38, 1-based): chr13:32,337,617, C>A. VCF-style: chr13-32337617-C-A. GRCh37 (hg19) VCF-style: chr13-32911754-C-A.
Other names: short protein forms P1088T.
Identifiers: ClinVar variation 1382466 (VCV001382466.9), dbSNP rs80358572, ClinGen allele CA387776017.
Genomic context (GRCh38, chr13:32,337,617, plus strand): 5'-GTATCTGCACATTTACAGAGTAGTGTAGTTGTTTCTGATTGTAAAAATAGTCATATAACC[C>A]CTCAGATGTTATTTTCCAAGCAGGATTTTAATTCAAACCATAATTTAACACCTAGCCAAA-3'
Protein context (NP_000050.3, residues 1078-1098): VSDCKNSHIT[Pro1088Thr]QMLFSKQDFN